The following is an entry in ClinVar:

NM_000337.6(SGCD):c.79A>T (p.Ile27Phe)

Gene: SGCD (sarcoglycan delta; plus strand). Cytogenetic location: 5q33.3.
Variant type: single nucleotide variant.
Coding change: c.79A>T on transcript NM_000337.6 (MANE Select); coding-DNA position 79, A replaced by T.
Protein change: p.Ile27Phe; replaces isoleucine 27 with phenylalanine.
Molecular consequence: missense variant.
Genome position (GRCh38, 1-based): chr5:156,344,564, A>T. VCF-style: chr5-156344564-A-T. GRCh37 (hg19) VCF-style: chr5-155771574-A-T.
Other names: c.76A>T, p.Ile26Phe (NM_001128209.2); c.79A>T, p.Ile27Phe (NM_172244.3); short protein forms I26F, I27F.
Identifiers: ClinVar variation 1761563 (VCV001761563.5), dbSNP rs373824540, ClinGen allele CA362007652.

ClinVar aggregate classification (germline): Uncertain significance. Review status: criteria provided, multiple submitters, no conflicts (2 of 4 stars). 2 submissions from 2 submitters: Uncertain significance (2). Last evaluated 2021-12-23.

Conditions:
Inborn genetic diseases. Identifiers: MedGen C0950123, MeSH D030342.

gnomAD v4.1: 2 of 1,612,454 alleles (0.00012%); highest among the groups gnomAD compares: Non-Finnish European, 0.00017%; no homozygotes.

Submissions (2):

Ambry Genetics
Classification: Uncertain significance for Inborn genetic diseases. Last evaluated: 2021-12-23. Review status: criteria provided, single submitter. Criteria: Ambry Variant Classification Scheme 2023. Collection method: clinical testing. Allele origin: germline.
Comment: The p.I27F variant (also known as c.79A>T), located in coding exon 2 of the SGCD gene, results from an A to T substitution at nucleotide position 79. The isoleucine at codon 27 is replaced by phenylalanine, an amino acid with highly similar properties. This amino acid position is conserved. In addition, this alteration is predicted to be deleterious by in silico analysis. Since supporting evidence is limited at this time, the clinical significance of this alteration remains unclear.

Revvity Omics, Revvity
Classification: Uncertain significance. Last evaluated: 2020-03-11. Review status: criteria provided, single submitter. Criteria: ACMG Guidelines, 2015. Collection method: clinical testing. Allele origin: germline.